The following is an entry in ClinVar:

NM_003072.5(SMARCA4):c.4771C>A (p.Arg1591=)

Gene: SMARCA4 (SWI/SNF related BAF chromatin remodeling complex subunit ATPase 4; plus strand). Cytogenetic location: 19p13.2.
Variant type: single nucleotide variant.
Coding change: c.4771C>A on transcript NM_003072.5 (MANE Select); coding-DNA position 4771, C replaced by A.
Protein change: p.Arg1591=; no amino-acid change (arginine 1591 retained).
Molecular consequence: synonymous variant. On other transcripts: non-coding transcript variant (1).
Genome position (GRCh38, 1-based): chr19:11,060,047, C>A. VCF-style: chr19-11060047-C-A. GRCh37 (hg19) VCF-style: chr19-11170723-C-A.
Other names: c.4867C>A, p.Arg1623= (NM_001387283.1, NM_001128849.3); c.4768C>A, p.Arg1590= (NM_001411150.1); c.4771C>A, p.Arg1591= (NM_001128844.3); c.4681C>A, p.Arg1561= (NM_001128845.2); c.4678C>A, p.Arg1560= (NM_001128846.2); c.4672C>A, p.Arg1558= (NM_001128847.4, NM_001374457.1); c.4669C>A, p.Arg1557= (NM_001128848.2).
Identifiers: ClinVar variation 5029893 (VCV005029893.1).

ClinVar aggregate classification (germline): Uncertain significance (1 of 4 stars; one submission).

Conditions:
Hereditary cancer-predisposing syndrome. Also called: Neoplastic Syndromes, Hereditary; Tumor predisposition; Hereditary neoplastic syndrome; Hereditary Cancer Syndrome. Identifiers: Orphanet 140162, MedGen C0027672, MeSH D009386, MONDO:0015356.

Submission:

Ambry Genetics
Classification: Uncertain significance for Hereditary cancer-predisposing syndrome. Last evaluated: 2026-09-04. Review status: criteria provided, single submitter. Criteria: Ambry Variant Classification Scheme 2023. Collection method: clinical testing. Allele origin: germline.
Comment: The c.4867C>A variant (also known as p.R1623R), located in coding exon 34 of the SMARCA4 gene, results from a C to A substitution at nucleotide position 4867. This nucleotide substitution does not change the arginine at codon 1623. This nucleotide position is highly conserved in available vertebrate species. In silico splice site analysis predicts that this alteration will result in the creation or strengthening of a novel splice acceptor site. Based on the available evidence, the clinical significance of this variant remains unclear.